The following is an entry in ClinVar:

ClinVar aggregate classification (germline): Uncertain significance (1 of 4 stars; one submission).

gnomAD v4.1: 90 of 1,613,930 alleles (0.0056%); highest among the groups gnomAD compares: Non-Finnish European, 0.0043%; no homozygotes.

Submission:

Labcorp Genetics (formerly Invitae), Labcorp
Classification: Uncertain significance. Last evaluated: 2025-10-11. Review status: criteria provided, single submitter. Criteria: Invitae Variant Classification Sherloc (09022015). Collection method: clinical testing. Allele origin: germline.
Comment: This sequence change affects codon 350 of the KLHL9 mRNA. It is a 'silent' change, meaning that it does not change the encoded amino acid sequence of the KLHL9 protein. This variant is present in population databases (rs762591796, gnomAD 0.05%). This variant has not been reported in the literature in individuals affected with KLHL9-related conditions. ClinVar contains an entry for this variant (Variation ID: 3632200). In summary, the available evidence is currently insufficient to determine the role of this variant in disease. Therefore, it has been classified as a Variant of Uncertain Significance.

NM_018847.4(KLHL9):c.1050T>C (p.Tyr350=)

Gene: KLHL9 (kelch like family member 9; minus strand). Cytogenetic location: 9p21.3.
Variant type: single nucleotide variant.
Coding change: c.1050T>C on transcript NM_018847.4 (MANE Select); coding-DNA position 1050, T replaced by C.
Protein change: p.Tyr350=; no amino-acid change (tyrosine 350 retained).
Molecular consequence: synonymous variant.
Genome position (GRCh38, 1-based): chr9:21,333,810, A>G on the plus strand (T>C on the coding strand, the complement: KLHL9 is on the minus strand). VCF-style: chr9-21333810-A-G. GRCh37 (hg19) VCF-style: chr9-21333809-A-G.
Identifiers: ClinVar variation 3632200 (VCV003632200.2).